The following is an entry in ClinVar:

ClinVar aggregate classification (germline): Uncertain significance (1 of 4 stars; one submission).

Submission:

Labcorp Genetics (formerly Invitae), Labcorp
Classification: Uncertain significance. Last evaluated: 2025-08-19. Review status: criteria provided, single submitter. Criteria: Invitae Variant Classification Sherloc (09022015). Collection method: clinical testing. Allele origin: germline.
Comment: This sequence change replaces serine, which is neutral and polar, with leucine, which is neutral and non-polar, at codon 529 of the LOXL3 protein (p.Ser529Leu). This variant is not present in population databases (gnomAD no frequency). This variant has not been reported in the literature in individuals affected with LOXL3-related conditions. An algorithm developed to predict the effect of missense changes on protein structure and function (PolyPhen-2) suggests that this variant is likely to be disruptive. In summary, the available evidence is currently insufficient to determine the role of this variant in disease. Therefore, it has been classified as a Variant of Uncertain Significance.

NM_032603.5(LOXL3):c.1586C>T (p.Ser529Leu)

Gene: LOXL3 (lysyl oxidase like 3; minus strand). Cytogenetic location: 2p13.1.
Variant type: single nucleotide variant.
Coding change: c.1586C>T on transcript NM_032603.5 (MANE Select); coding-DNA position 1586, C replaced by T.
Protein change: p.Ser529Leu; replaces serine 529 with leucine.
Molecular consequence: missense variant.
Genome position (GRCh38, 1-based): chr2:74,534,768, G>A on the plus strand (C>T on the coding strand, the complement: LOXL3 is on the minus strand). VCF-style: chr2-74534768-G-A. GRCh37 (hg19) VCF-style: chr2-74761895-G-A.
Other names: c.1151C>T, p.Ser384Leu (NM_001289164.3); c.503C>T, p.Ser168Leu (NM_001289165.2); short protein forms S168L, S529L, S384L.
Identifiers: ClinVar variation 4766538 (VCV004766538.1).